The following is an entry in ClinVar:

ClinVar aggregate classification (germline): Likely benign (0 of 4 stars; one submission).

Conditions:
LRRK1-related disorder. Also called: LRRK1-related condition.

gnomAD v4.1: 1 of 1,613,496 alleles (0.000062%); highest among the groups gnomAD compares: Non-Finnish European, 0.000085%; no homozygotes.

Submission:

PreventionGenetics, part of Exact Sciences
Classification: Likely benign for LRRK1-related condition. Last evaluated: 2019-04-03. Review status: no assertion criteria provided. Collection method: clinical testing. Allele origin: germline.
Comment: This variant is classified as likely benign based on ACMG/AMP sequence variant interpretation guidelines (Richards et al. 2015 PMID: 25741868, with internal and published modifications).

NM_024652.6(LRRK1):c.3441C>T (p.Ala1147=)

Genes: LRRK1 (leucine rich repeat kinase 1; plus strand), LRRK1-AS1 (LRRK1 antisense RNA 1; minus strand). Cytogenetic location: 15q26.3.
Variant type: single nucleotide variant.
Coding change: c.3441C>T on transcript NM_024652.6 (MANE Select); coding-DNA position 3441, C replaced by T.
Protein change: p.Ala1147=; no amino-acid change (alanine 1147 retained).
Molecular consequence: synonymous variant.
Genome position (GRCh38, 1-based): chr15:101,051,712, C>T. VCF-style: chr15-101051712-C-T. GRCh37 (hg19) VCF-style: chr15-101591917-C-T.
Identifiers: ClinVar variation 3058000 (VCV003058000.2), dbSNP rs116807808, ClinGen allele CA7761534.